The following is an entry in ClinVar:

NM_000548.5(TSC2):c.2252G>A (p.Arg751Gln)

Gene: TSC2 (TSC complex subunit 2; plus strand). Cytogenetic location: 16p13.3.
Variant type: single nucleotide variant.
Coding change: c.2252G>A on transcript NM_000548.5 (MANE Select); coding-DNA position 2252, G replaced by A.
Protein change: p.Arg751Gln; replaces arginine 751 with glutamine.
Molecular consequence: missense variant.
Genome position (GRCh38, 1-based): chr16:2,072,880, G>A. VCF-style: chr16-2072880-G-A. GRCh37 (hg19) VCF-style: chr16-2122881-G-A.
Other names: c.2252G>A, p.Arg751Gln (NM_001077183.3, NM_001114382.3, NM_001363528.2 and 3 more transcripts); c.2141G>A, p.Arg714Gln (NM_001318827.2); c.2105G>A, p.Arg702Gln (NM_001318829.2); c.1652G>A, p.Arg551Gln (NM_001318831.2); c.2285G>A, p.Arg762Gln (NM_001318832.2); c.2252G>A (NM_000548.4); short protein forms R751Q, R551Q, R714Q, R702Q, R762Q.
Identifiers: ClinVar variation 535887 (VCV000535887.27), dbSNP rs749593050, ClinGen allele CA276740000.
Genomic context (GRCh38, chr16:2,072,880, plus strand): 5'-GAGGTTTCATGCCTGGATTTGGTCATCAGCTTTCAGGCCCAAAGACACTGGAGCGGCTCC[G>A]AGGCGCCCCAGAAGGCTTCTCCAGAACTGACTTGCACCTGGCCGTGGTTCCAGTGCTGAC-3'
Protein context (NP_000539.2, residues 741-761): LSGPKTLERL[Arg751Gln]GAPEGFSRTD

ClinVar aggregate classification (germline): Conflicting classifications of pathogenicity. Review status: criteria provided, conflicting classifications (1 of 4 stars). 8 submissions from 8 submitters: Uncertain significance (3); Benign (1); Likely benign (3). 1 of the submissions does not count toward it. Last evaluated 2026-01-20.

Conditions:
Tuberous sclerosis 2 (TSC2). Identifiers: Orphanet 805, MedGen C1860707, MONDO:0013199, OMIM 613254.
Isolated focal cortical dysplasia type II (FCORD2). Also called: CORTICAL DYSPLASIA OF TAYLOR; Focal cortical dysplasia type II. Identifiers: Orphanet 268994, MedGen C1846385, MONDO:0011818, OMIM 607341, HP:0032051.
Lymphangiomyomatosis (LAM). Also called: Lymphangioleiomyomatosis; Lymphangioleiomyomatosis, somatic. Identifiers: Orphanet 538, MedGen C0751674, MONDO:0011705, OMIM 606690.
TSC2-related disorder. Also called: TSC2-related condition; TSC2-Related Disorders.
Hereditary cancer-predisposing syndrome. Also called: Neoplastic Syndromes, Hereditary; Hereditary neoplastic syndrome; Tumor predisposition; Hereditary Cancer Syndrome. Identifiers: Orphanet 140162, MedGen C0027672, MeSH D009386, MONDO:0015356.

Allele frequency attached by ClinVar (database versions not stated): gnomAD 0.00001; gnomAD exomes 0.00001; TOPMed 0.00001.
gnomAD v4.1: 11 of 1,613,452 alleles (0.00068%); highest among the groups gnomAD compares: Admixed American, 0.005%; no homozygotes.

Submissions (8):

Labcorp Genetics (formerly Invitae), Labcorp
Classification: Benign for Tuberous sclerosis 2. Last evaluated: 2026-01-20. Review status: criteria provided, single submitter. Criteria: Invitae Variant Classification Sherloc (09022015). Collection method: clinical testing. Allele origin: germline.

Ambry Genetics
Classification: Uncertain significance for Hereditary cancer-predisposing syndrome. Last evaluated: 2025-07-11. Review status: criteria provided, single submitter. Criteria: Ambry Variant Classification Scheme 2023. Collection method: clinical testing. Allele origin: germline.
Comment: The p.R751Q variant (also known as c.2252G>A), located in coding exon 20 of the TSC2 gene, results from a G to A substitution at nucleotide position 2252. The arginine at codon 751 is replaced by glutamine, an amino acid with highly similar properties. This amino acid position is not well conserved in available vertebrate species. In addition, the in silico prediction for this alteration is inconclusive. Based on the available evidence, the clinical significance of this variant remains unclear.

Women's Health and Genetics/Laboratory Corporation of America, LabCorp
Classification: Uncertain significance. Last evaluated: 2025-01-02. Review status: criteria provided, single submitter. Criteria: LabCorp Variant Classification Summary - May 2015. Collection method: clinical testing. Allele origin: germline.
Comment: Variant summary: TSC2 c.2252G>A (p.Arg751Gln) results in a conservative amino acid change in the encoded protein sequence. Five of five in-silico tools predict a benign effect of the variant on protein function. The variant allele was found at a frequency of 8e-06 in 250910 control chromosomes (gnomAD). The available data on variant occurrences in the general population are insufficient to allow any conclusion about variant significance. c.2252G>A has been reported in the literature in at least one individual affected with Tuberous Sclerosis Complex (Ni_2019). These report(s) do not provide unequivocal conclusions about association of the variant with Tuberous Sclerosis Complex. To our knowledge, no experimental evidence demonstrating an impact on protein function has been reported. The following publication have been ascertained in the context of this evaluation (PMID: 31586081). ClinVar contains an entry for this variant (Variation ID: 535887). Based on the evidence outlined above, the variant was classified as uncertain significance.

Genome-Nilou Lab
Classification: Likely benign for Tuberous sclerosis 2. Last evaluated: 2021-11-07. Review status: criteria provided, single submitter. Criteria: ACMG Guidelines, 2015. Collection method: clinical testing. Allele origin: germline. Affected: no.

GeneDx
Classification: Likely benign. Last evaluated: 2021-06-14. Review status: criteria provided, single submitter. Criteria: GeneDx Variant Classification Process June 2021. Collection method: clinical testing. Allele origin: germline. Affected: yes.
Comment: This variant is associated with the following publications: (PMID: 31586081, 18466115)

Victorian Clinical Genetics Services, Murdoch Childrens Research Institute
Classification: Likely benign for Tuberous sclerosis 2. Last evaluated: 2020-05-25. Review status: criteria provided, single submitter. Criteria: ACMG Guidelines, 2015. Collection method: clinical testing. Allele origin: germline. Inheritance: Autosomal dominant inheritance.
Comment: Based on the classification scheme VCGS_Germline_v1.1.1, this variant is classified as Likely benign. Following criteria are met: 0102 - Loss-of-function is a known mechanism of disease for this gene. Both missense and premature termination codon variants have been shown to affect protein function (ClinVar; PMID 11741832; 18302728) (N) 0107 - This gene is known to be associated with autosomal dominant disease. (N) 0200 - Variant is predicted to result in a missense amino acid change from an arginine to a glutamine (exon 21). (N) 0251 - Variant is heterozygous. (N) 0302 - Variant is present in gnomAD <0.001 for a dominant condition (2 heterozygotes, 0 homozygotes). (P) 0503 - Missense variant consistently predicted to be tolerated or not conserved in mammals with a minor amino acid change. (B) 0600 - Variant is located in an annotated domain or motif (Tuberin domain). (N) 0705 - No comparable variants have previous evidence for pathogenicity. (N) 0804 - Variant is present at a low frequency in the population and has previously been described as variant of uncertain significance in multiple cases (ClinVar; LOVD TSC2 database; PMID 31586081) (P) 0905 - No segregation evidence has been identified for this variant. (N) 1007 - No published functional evidence has been identified for this variant. (N) 1208 - Inheritance information for this variant is not currently available. (N) Legend: (P) - Pathogenic, (N) - Neutral, (B) - Benign

Fulgent Genetics
Classification: Uncertain significance for Lymphangiomyomatosis; Isolated focal cortical dysplasia type II; Tuberous sclerosis 2. Last evaluated: 2018-10-31. Review status: criteria provided, single submitter. Criteria: ACMG Guidelines, 2015. Collection method: clinical testing. Allele origin: unknown.

PreventionGenetics, part of Exact Sciences
Classification: Uncertain significance for TSC2-related condition. Last evaluated: 2024-06-17. Review status: no assertion criteria provided. Collection method: clinical testing. Allele origin: germline. Not counted in ClinVar's aggregate classification.
Comment: The TSC2 c.2252G>A variant is predicted to result in the amino acid substitution p.Arg751Gln. This variant has been reported in an individual with renal angiomyolipoma associated with the tuberous sclerosis complex (Table 2. Ni et al. 2019. PubMed ID: 31586081). This variant is reported in 0.0058% of alleles in individuals of Latino descent in gnomAD. This variant has conflicting interpretations ranging from benign to uncertain significance in ClinVar. At this time, the clinical significance of this variant is uncertain due to the absence of conclusive functional and genetic evidence.

Literature cited by the submitters: PubMed 31586081 (cited by 3 submitters); PubMed 11741832 (cited by Victorian Clinical Genetics Services, Murdoch Childrens Research Institute); PubMed 18302728 (cited by Victorian Clinical Genetics Services, Murdoch Childrens Research Institute).